The following is an entry in ClinVar:

ClinVar aggregate classification (germline): Benign. Review status: criteria provided, multiple submitters, no conflicts (2 of 4 stars). 4 submissions from 4 submitters: Benign (2). 2 of the submissions do not count toward it. Last evaluated 2024-11-27.

Conditions:
Intellectual disability. Also called: Intellectual functioning disability; Intellectual developmental disorder; intellectual disabilities. Identifiers: MedGen C3714756, MeSH D008607, MONDO:0001071, HP:0001249.

Allele frequency attached by ClinVar (database versions not stated): ESP Exome Variant Server 0.03649; TOPMed 0.05152; 1000 Genomes Project 30x 0.07386; 1000 Genomes Project 0.07508.
gnomAD v4.1: 75,815 of 1,612,284 alleles (4.7%); highest among the groups gnomAD compares: East Asian, 18%; 2,776 homozygotes.

Submissions (4):

Blueprint Genetics
Classification: Benign. Last evaluated: 2024-11-27. Review status: criteria provided, single submitter. Criteria: ACMG Guidelines, 2015. Collection method: clinical testing. Allele origin: germline.

Breakthrough Genomics
Classification: Benign. Review status: criteria provided, single submitter. Criteria: ACMG Guidelines, 2015. Collection method: not provided. Allele origin: germline. Inheritance: Autosomal dominant inheritance. Affected: yes.

Centre de Biologie Pathologie Génétique, Centre Hospitalier Universitaire de Lille
Classification: Likely benign for Intellectual disability. Last evaluated: 2019-01-01. Review status: no assertion criteria provided. Collection method: clinical testing. Allele origin: inherited. Affected: yes. Not counted in ClinVar's aggregate classification.

Genetic Services Laboratory, University of Chicago
Classification: Likely benign for AllHighlyPenetrant. Review status: no assertion criteria provided. Collection method: clinical testing. Allele origin: germline. Inheritance: Autosomal dominant inheritance. Not counted in ClinVar's aggregate classification.
Comment: Likely benign based on allele frequency in 1000 Genomes Project or ESP global frequency and its presence in a patient with a rare or unrelated disease phenotype. NOT Sanger confirmed.

NM_004933.3(CDH15):c.2364C>A (p.Tyr788Ter)

Gene: CDH15 (cadherin 15; plus strand). Cytogenetic location: 16q24.3.
Variant type: single nucleotide variant.
Coding change: c.2364C>A on transcript NM_004933.3 (MANE Select); coding-DNA position 2364, C replaced by A.
Protein change: p.Tyr788Ter; replaces tyrosine 788 with a stop codon.
Molecular consequence: nonsense.
Genome position (GRCh38, 1-based): chr16:89,195,074, C>A. VCF-style: chr16-89195074-C-A. GRCh37 (hg19) VCF-style: chr16-89261482-C-A.
Other names: short protein forms Y788*.
Identifiers: ClinVar variation 128650 (VCV000128650.9), dbSNP rs2270416, ClinGen allele CA152240.